The following is an entry in ClinVar:

ClinVar aggregate classification (germline): Uncertain significance. Review status: criteria provided, single submitter (1 of 4 stars). 2 submissions from 2 submitters: Uncertain significance (1). 1 of the submissions does not count toward it. Last evaluated 2022-01-26.

Conditions:
UGT1A1-related disorder. Also called: UGT1A1-related condition; UGT1A1-related disorders.

Allele frequency attached by ClinVar (database versions not stated): gnomAD exomes below 0.00001 and 0.00001; TOPMed 0.00003; gnomAD 0.00004.
gnomAD v4.1: 23 of 1,614,110 alleles (0.0014%); highest among the groups gnomAD compares: African/African-American, 0.008%; no homozygotes.

Submissions (2):

ARUP Laboratories, Molecular Genetics and Genomics, ARUP Laboratories
Classification: Uncertain significance. Last evaluated: 2022-01-26. Review status: criteria provided, single submitter. Criteria: ARUP Molecular Germline Variant Investigation Process 2021. Collection method: clinical testing. Allele origin: germline.

PreventionGenetics, part of Exact Sciences
Classification: Uncertain significance for UGT1A1-related condition. Last evaluated: 2023-11-15. Review status: no assertion criteria provided. Collection method: clinical testing. Allele origin: germline. Not counted in ClinVar's aggregate classification.
Comment: The UGT1A1 c.1412C>T variant is predicted to result in the amino acid substitution p.Ala471Val. To our knowledge, this variant has not been reported in the literature. This variant is reported in 1 of ~251,000 alleles in gnomAD. An alternate nucleotide change affecting the same amino acid (p.Ala471Gly) has been reported in an individual with Crigler-Najjar syndrome (Trabelsi et al. 2021. PubMed ID: 33421605). At this time, the clinical significance of the c.1412C>T (p.Ala471Val) variant is uncertain due to the absence of conclusive functional and genetic evidence.

NM_000463.3(UGT1A1):c.1412C>T (p.Ala471Val)

Genes: UGT1A (UDP glucuronosyltransferase family 1 member A complex locus; plus strand), UGT1A6 (UDP glucuronosyltransferase family 1 member A6; plus strand), UGT1A7 (UDP glucuronosyltransferase family 1 member A7; plus strand), UGT1A9 (UDP glucuronosyltransferase family 1 member A9; plus strand), UGT1A4 (UDP glucuronosyltransferase family 1 member A4; plus strand) and 5 more. Cytogenetic location: 2q37.1.
Variant type: single nucleotide variant.
Coding change: c.1412C>T on transcript NM_000463.3 (MANE Select); coding-DNA position 1412, C replaced by T.
Protein change: p.Ala471Val; replaces alanine 471 with valine.
Molecular consequence: missense variant.
Genome position (GRCh38, 1-based): chr2:233,772,369, C>T. VCF-style: chr2-233772369-C-T. GRCh37 (hg19) VCF-style: chr2-234681015-C-T.
Other names: c.1403C>T, p.Ala468Val (NM_019075.4, NM_019076.5, NM_019077.3 and 1 more transcripts); c.1409C>T, p.Ala470Val (NM_001072.4); c.608C>T, p.Ala203Val (NM_205862.3); c.1415C>T, p.Ala472Val (NM_019078.2, NM_007120.3, NM_019093.4); short protein forms A203V, A468V, A470V, A471V, A472V.
Identifiers: ClinVar variation 1679465 (VCV001679465.9), dbSNP rs1333719360, ClinGen allele CA351076335.